The following is an entry in ClinVar:

NM_006904.7(PRKDC):c.6611G>T (p.Gly2204Val)

Gene: PRKDC (protein kinase, DNA-activated, catalytic subunit; minus strand). Cytogenetic location: 8q11.21.
Variant type: single nucleotide variant.
Coding change: c.6611G>T on transcript NM_006904.7 (MANE Select); coding-DNA position 6611, G replaced by T.
Protein change: p.Gly2204Val; replaces glycine 2204 with valine.
Molecular consequence: missense variant.
Genome position (GRCh38, 1-based): chr8:47,855,372, C>A on the plus strand (G>T on the coding strand, the complement: PRKDC is on the minus strand). VCF-style: chr8-47855372-C-A. GRCh37 (hg19) VCF-style: chr8-48767933-C-A.
Other names: c.6611G>T, p.Gly2204Val (NM_001081640.2); short protein forms G2204V.
Identifiers: ClinVar variation 3225890 (VCV003225890.1), dbSNP rs2551869508, ClinGen allele CA371159741.

ClinVar aggregate classification (germline): Uncertain significance (1 of 4 stars; one submission).

Submission:

Ambry Genetics
Classification: Uncertain significance. Last evaluated: 2021-07-04. Review status: criteria provided, single submitter. Criteria: Ambry Variant Classification Scheme 2023. Collection method: clinical testing. Allele origin: germline.
Comment: The p.G2204V variant (also known as c.6611G>T), located in coding exon 50 of the PRKDC gene, results from a G to T substitution at nucleotide position 6611. The glycine at codon 2204 is replaced by valine, an amino acid with dissimilar properties. This amino acid position is conserved. Since supporting evidence is limited at this time, the clinical significance of this alteration remains unclear.